The following is an entry in ClinVar:

NM_000492.4(CFTR):c.2663C>A (p.Pro888His)

Gene: CFTR (CF transmembrane conductance regulator; plus strand). Cytogenetic location: 7q31.2.
Variant type: single nucleotide variant.
Coding change: c.2663C>A on transcript NM_000492.4 (MANE Select); coding-DNA position 2663, C replaced by A.
Protein change: p.Pro888His; replaces proline 888 with histidine.
Molecular consequence: missense variant.
Genome position (GRCh38, 1-based): chr7:117,603,537, C>A. VCF-style: chr7-117603537-C-A. GRCh37 (hg19) VCF-style: chr7-117243591-C-A.
Other names: short protein forms P888H.
Identifiers: ClinVar variation 1704400 (VCV001704400.3), dbSNP rs747674073, ClinGen allele CA4451268.
Genomic context (GRCh38, chr7:117,603,537, plus strand): 5'-GAAATTCAGTAAGTAACTTTGGCTGCCAAATAACGATTTCCTATTTGCTTTACAGCACTC[C>A]TCTTCAAGACAAAGGGAATAGTACTCATAGTAGAAATAACAGCTATGCAGTGATTATCAC-3'
Protein context (NP_000483.3, residues 878-898): LVVLWLLGNT[Pro888His]LQDKGNSTHS

ClinVar aggregate classification (germline): Uncertain significance. Review status: criteria provided, multiple submitters, no conflicts (2 of 4 stars). 2 submissions from 2 submitters: Uncertain significance (2). Last evaluated 2024-12-08.

Conditions:
Cystic fibrosis (CF). Also called: MUCOVISCIDOSIS. Identifiers: Orphanet 586, MedGen C0010674, MONDO:0009061, OMIM 219700. Disease mechanism: loss of function.

Allele frequency attached by ClinVar (database versions not stated): TOPMed 0.00001; ExAC 0.00002.
gnomAD v4.1: 3 of 1,613,894 alleles (0.00019%); highest among the groups gnomAD compares: Non-Finnish European, 0.00025%; no homozygotes.

Submissions (2):

Labcorp Genetics (formerly Invitae), Labcorp
Classification: Uncertain significance for Cystic fibrosis. Last evaluated: 2024-12-08. Review status: criteria provided, single submitter. Criteria: Invitae Variant Classification Sherloc (09022015). Collection method: clinical testing. Allele origin: germline.
Comment: This sequence change replaces proline, which is neutral and non-polar, with histidine, which is basic and polar, at codon 888 of the CFTR protein (p.Pro888His). This variant is present in population databases (rs747674073, gnomAD 0.004%). This variant has not been reported in the literature in individuals affected with CFTR-related conditions. ClinVar contains an entry for this variant (Variation ID: 1704400). Invitae Evidence Modeling of protein sequence and biophysical properties (such as structural, functional, and spatial information, amino acid conservation, physicochemical variation, residue mobility, and thermodynamic stability) indicates that this missense variant is not expected to disrupt CFTR protein function with a negative predictive value of 80%. In summary, the available evidence is currently insufficient to determine the role of this variant in disease. Therefore, it has been classified as a Variant of Uncertain Significance.

Johns Hopkins Genomics, Johns Hopkins University
Classification: Uncertain significance for Cystic fibrosis. Last evaluated: 2022-07-26. Review status: criteria provided, single submitter. Criteria: ACMG Guidelines, 2015. Collection method: clinical testing. Allele origin: germline.
Comment: This CFTR missense variant (rs747674073) is rare (<0.1%) in a large population dataset (gnomAD v2.1.1: 4/251106 total alleles; 0.0016%; no homozygotes). The variant has not been reported in ClinVar, CFTR-related databases or the literature, to our knowledge. Three bioinformatic tools queried predict that this substitution would be tolerated, and the proline residue at this position is evolutionarily conserved across many of the species assessed. We consider the clinical significance of c.2663C>A in CFTR to be uncertain at this time.